The following is an entry in ClinVar:

NM_004006.3(DMD):c.3956A>G (p.Asn1319Ser)

Gene: DMD (dystrophin; minus strand). Cytogenetic location: Xp21.1.
Variant type: single nucleotide variant.
Coding change: c.3956A>G on transcript NM_004006.3 (MANE Select); coding-DNA position 3956, A replaced by G.
Protein change: p.Asn1319Ser; replaces asparagine 1319 with serine.
Molecular consequence: missense variant.
Genome position (GRCh38, 1-based): chrX:32,438,356, T>C on the plus strand (A>G on the coding strand, the complement: DMD is on the minus strand). VCF-style: chrX-32438356-T-C. GRCh37 (hg19) VCF-style: chrX-32456473-T-C.
Other names: c.3932A>G, p.Asn1311Ser (NM_000109.4); c.3944A>G, p.Asn1315Ser (NM_004009.3); c.3587A>G, p.Asn1196Ser (NM_004010.3); short protein forms N1196S, N1311S, N1315S, N1319S.
Identifiers: ClinVar variation 4823758 (VCV004823758.4).
Genomic context (GRCh38, chrX:32,438,356, plus strand): 5'-AGCTCATCCATGACTCCGCCATCTGTTAGGGTCTGTGCCAATATGCGAATCTGATTTGGG[T>C]TATCCTCTGAATGTCGCATCAAATTTTCAAGTGACTGAAACACATTTGCAATAATTACTA-3'
Protein context (NP_003997.2, residues 1309-1329): LENLMRHSED[Asn1319Ser]PNQIRILAQT

ClinVar aggregate classification (germline): Uncertain significance (1 of 4 stars; one submission).

Submission:

CeGaT Center for Human Genetics Tuebingen
Classification: Uncertain significance. Last evaluated: 2026-03-01. Review status: criteria provided, single submitter. Criteria: CeGaT Center For Human Genetics Tuebingen Variant Classification Criteria Version 2. Collection method: clinical testing. Allele origin: germline. Affected: yes. Observed: 1 variant allele.
Comment: DMD: PM2